The following is an entry in ClinVar:

NM_001042492.3(NF1):c.7769dup (p.His2590fs)

Gene: NF1 (neurofibromin 1; plus strand). Cytogenetic location: 17q11.2.
Variant type: Duplication.
Coding change: c.7769dup on transcript NM_001042492.3 (MANE Select); coding-DNA position 7769, one base duplicated (A; older notation c.7769dupA).
Protein change: p.His2590fs; shifts the reading frame from histidine 2590.
Molecular consequence: frameshift variant.
Genome position (GRCh38, 1-based): chr17:31,356,990, A duplicated. VCF-style (leftmost placement, unchanged base first): chr17-31356989-C-CA. GRCh37 (hg19) VCF-style: chr17-29684007-C-CA.
Other names: c.7706dup, p.His2569Glnfs (NM_000267.4); short protein forms H2590fs, H2569fs.
Identifiers: ClinVar variation 689359 (VCV000689359.1), dbSNP rs1597866378, ClinGen allele CA915949892.

ClinVar aggregate classification (germline): Likely pathogenic (1 of 4 stars; one submission).

Conditions:
Hereditary cancer-predisposing syndrome. Also called: Neoplastic Syndromes, Hereditary; Tumor predisposition; Hereditary neoplastic syndrome; Hereditary Cancer Syndrome. Identifiers: Orphanet 140162, MedGen C0027672, MeSH D009386, MONDO:0015356.

Submission:

Academic Department of Medical Genetics, University of Cambridge
Classification: Likely pathogenic for Hereditary cancer-predisposing syndrome. Last evaluated: 2018-01-26. Review status: criteria provided, single submitter. Criteria: ACMG Guidelines, 2015. Collection method: research. Allele origin: germline. Affected: yes. Observed: 1 heterozygote.
Comment: Application of AMCG guidelines 2015. Used other ClinVar submission evidence where relevant. Loss of heterozygosity in tumours or immunohistochemistry abnormalities considered functional evidence of pathogenicity.

Identified as part of research study of individuals with multiple primary tumours referred for genetic assessment